The following is an entry in ClinVar:

NM_001288705.3(CSF1R):c.2342C>G (p.Ala781Gly)

Gene: CSF1R (colony stimulating factor 1 receptor; minus strand). Cytogenetic location: 5q32.
Variant type: single nucleotide variant.
Coding change: c.2342C>G on transcript NM_001288705.3 (MANE Select); coding-DNA position 2342, C replaced by G.
Protein change: p.Ala781Gly; replaces alanine 781 with glycine.
Molecular consequence: missense variant. On other transcripts: non-coding transcript variant (2).
Genome position (GRCh38, 1-based): chr5:150,056,319, G>C on the plus strand (C>G on the coding strand, the complement: CSF1R is on the minus strand). VCF-style: chr5-150056319-G-C. GRCh37 (hg19) VCF-style: chr5-149435882-G-C.
Other names: c.2342C>G, p.Ala781Gly (NM_001349736.2, NM_001375320.1, NM_005211.4); c.1898C>G, p.Ala633Gly (NM_001375321.1); short protein forms A781G, A633G.
Identifiers: ClinVar variation 2830549 (VCV002830549.3), dbSNP rs587777247, ClinGen allele CA361759015.
Genomic context (GRCh38, chr5:150,056,319, plus strand): 5'-CTAGCCAGCCCGAAGTCCCCAATCTTGGCCACATGACCATTGGTCAACAGCACGTTACGC[G>C]CTGCCACGTCCCGGTGGATGCACTGAGGGAAAGCACTGCAGGGTTAGTCTTGGGCCTTCT-3'
Protein context (NP_001275634.1, residues 771-791): SKNCIHRDVA[Ala781Gly]RNVLLTNGHV

ClinVar aggregate classification (germline): Uncertain significance (1 of 4 stars; one submission).

Submission:

Labcorp Genetics (formerly Invitae), Labcorp
Classification: Uncertain significance. Last evaluated: 2023-01-20. Review status: criteria provided, single submitter. Criteria: Invitae Variant Classification Sherloc (09022015). Collection method: clinical testing. Allele origin: germline.
Comment: In summary, the available evidence is currently insufficient to determine the role of this variant in disease. Therefore, it has been classified as a Variant of Uncertain Significance. This variant disrupts the p.Ala781 amino acid residue in CSF1R. Other variant(s) that disrupt this residue have been determined to be pathogenic (PMID: 23816250, 24198292, 25563800; Invitae). This suggests that this residue is clinically significant, and that variants that disrupt this residue are likely to be disease-causing. Advanced modeling of protein sequence and biophysical properties (such as structural, functional, and spatial information, amino acid conservation, physicochemical variation, residue mobility, and thermodynamic stability) has been performed at Invitae for this missense variant, however the output from this modeling did not meet the statistical confidence thresholds required to predict the impact of this variant on CSF1R protein function. This variant has not been reported in the literature in individuals affected with CSF1R-related conditions. This variant is not present in population databases (gnomAD no frequency). This sequence change replaces alanine, which is neutral and non-polar, with glycine, which is neutral and non-polar, at codon 781 of the CSF1R protein (p.Ala781Gly).

Literature cited by the submitters: PubMed 23816250; PubMed 24198292; PubMed 25563800.